The following is an entry in ClinVar:

NM_005908.4(MANBA):c.1231-1G>A

Gene: MANBA (mannosidase beta; minus strand). Cytogenetic location: 4q24.
Variant type: single nucleotide variant.
Coding change: c.1231-1G>A on transcript NM_005908.4 (MANE Select); the canonical splice acceptor site of the intron before coding-DNA position 1231, G replaced by A.
Molecular consequence: splice acceptor variant.
Genome position (GRCh38, 1-based): chr4:102,669,050, C>T on the plus strand (G>A on the coding strand, the complement: MANBA is on the minus strand). VCF-style: chr4-102669050-C-T. GRCh37 (hg19) VCF-style: chr4-103590207-C-T.
Identifiers: ClinVar variation 2182695 (VCV002182695.5), dbSNP rs370801398, ClinGen allele CA3026962.

ClinVar aggregate classification (germline): Likely pathogenic. Review status: criteria provided, multiple submitters, no conflicts (2 of 4 stars). 2 submissions from 2 submitters: Likely pathogenic (2). Last evaluated 2026-02-02.

Conditions:
Beta-D-mannosidosis (MANSB). Also called: Beta-Mannosidosis; MANNOSIDOSIS, BETA A, LYSOSOMAL; BETA-MANNOSIDASE DEFICIENCY; LYSOSOMAL BETA-MANNOSIDASE DEFICIENCY. Identifiers: Orphanet 118, MedGen C4048196, MONDO:0009562, OMIM 248510.

Allele frequency attached by ClinVar (database versions not stated): ExAC 0.00001; gnomAD 0.00001; TOPMed 0.00001; ESP Exome Variant Server 0.00008.
gnomAD v4.1: 2 of 1,609,072 alleles (0.00012%); highest among the groups gnomAD compares: African/African-American, 0.0013%; no homozygotes.

Submissions (2):

Women's Health and Genetics/Laboratory Corporation of America, LabCorp
Classification: Likely pathogenic for Beta-D-mannosidosis. Last evaluated: 2026-02-02. Review status: criteria provided, single submitter. Criteria: LabCorp Variant Classification Summary - May 2015. Collection method: clinical testing. Allele origin: germline.
Comment: Variant summary: MANBA c.1231-1G>A is located in a canonical splice-site and is predicted to affect mRNA splicing resulting in a significantly altered protein due to either exon skipping, shortening, or inclusion of intronic material. Variants that disrupt the consensus splice site are a relatively common cause of aberrant splicing and loss of MANBA function. Several computational tools predict a significant impact on normal splicing: Four predict the variant abolishes a 3' acceptor site. Two predict the variant creates a 3' acceptor site. Two predict the variant abolishes a cryptic 5' donor site. However, these predictions have yet to be confirmed by functional studies. The variant allele was found at a frequency of 4e-06 in 249412 control chromosomes. To our knowledge, no occurrence of c.1231-1G>A in individuals affected with MANBA-related conditions and no experimental evidence demonstrating its impact on protein function have been reported. ClinVar contains an entry for this variant (Variation ID: 2182695). Based on the evidence outlined above, the variant was classified as likely pathogenic.

Labcorp Genetics (formerly Invitae), Labcorp
Classification: Likely pathogenic for Beta-D-mannosidosis. Last evaluated: 2022-10-21. Review status: criteria provided, single submitter. Criteria: Invitae Variant Classification Sherloc (09022015). Collection method: clinical testing. Allele origin: germline.
Comment: This variant is present in population databases (rs370801398, gnomAD 0.008%). This sequence change affects an acceptor splice site in intron 9 of the MANBA gene. It is expected to disrupt RNA splicing. Variants that disrupt the donor or acceptor splice site typically lead to a loss of protein function (PMID: 16199547), and loss-of-function variants in MANBA are known to be pathogenic (PMID: 9384606, 12468273). This variant has not been reported in the literature in individuals affected with MANBA-related conditions. In summary, the currently available evidence indicates that the variant is pathogenic, but additional data are needed to prove that conclusively. Therefore, this variant has been classified as Likely Pathogenic. Algorithms developed to predict the effect of sequence changes on RNA splicing suggest that this variant may disrupt the consensus splice site.

Literature cited by the submitters: PubMed 16199547 (cited by Labcorp Genetics (formerly Invitae), Labcorp); PubMed 9384606 (cited by Labcorp Genetics (formerly Invitae), Labcorp); PubMed 12468273 (cited by Labcorp Genetics (formerly Invitae), Labcorp).